The following is an entry in ClinVar:

NM_000264.5(PTCH1):c.2244del (p.Ala749fs)

Genes: PTCH1 (patched 1; minus strand), LOC100507346 (uncharacterized LOC100507346; plus strand). Cytogenetic location: 9q22.32.
Variant type: Deletion.
Coding change: c.2244del on transcript NM_000264.5 (MANE Select); coding-DNA position 2244, one base deleted (A; older notation c.2244delA).
Protein change: p.Ala749fs; shifts the reading frame from alanine 749.
Molecular consequence: frameshift variant. On other transcripts: non-coding transcript variant (2).
Genome position (GRCh38, 1-based): chr9:95,468,757, T deleted on the plus strand (A on the coding strand, the reverse complement: PTCH1 is on the minus strand); the first of 4 consecutive T bases (chr9:95,468,757-95,468,760); deleting any one gives the same sequence. VCF-style (leftmost placement, unchanged base first): chr9-95468756-CT-C. GRCh37 (hg19) VCF-style: chr9-98231038-CT-C.
Other names: c.2046del, p.Ala683fs (NM_001083602.3); c.2241del, p.Ala748fs (NM_001083603.3); c.1791del, p.Ala598fs (NM_001083604.3, NM_001083605.3, NM_001083606.3 and 1 more transcripts); c.2088del, p.Ala697fs (NM_001354918.2); short protein forms A598fs, A748fs, A683fs, A749fs, A697fs.
Identifiers: ClinVar variation 571864 (VCV000571864.9), dbSNP rs1564032829, ClinGen allele CA891843290.

ClinVar aggregate classification (germline): Pathogenic. Review status: criteria provided, multiple submitters, no conflicts (2 of 4 stars). 2 submissions from 2 submitters: Pathogenic (2). Last evaluated 2018-04-19.

Conditions:
Medulloblastoma (MDB). Also called: MEDULLOBLASTOMA PREDISPOSITION SYNDROME; Medulloblastoma, somatic. Identifiers: Orphanet 616, MedGen C0025149, MeSH D008527, MONDO:0007959, OMIM 155255, HP:0002885.
Gorlin syndrome. Also called: Nevoid Basal Cell Carcinoma Syndrome; Basal cell nevus syndrome. Identifiers: Orphanet 377, MedGen C0004779, MONDO:0007187.

Submissions (2):

Labcorp Genetics (formerly Invitae), Labcorp
Classification: Pathogenic for Gorlin syndrome. Last evaluated: 2018-04-19. Review status: criteria provided, single submitter. Criteria: Invitae Variant Classification Sherloc (09022015). Collection method: clinical testing. Allele origin: germline.
Comment: This sequence change creates a premature translational stop signal (p.Ala749Profs*3) in the PTCH1 gene. It is expected to result in an absent or disrupted protein product. This variant is not present in population databases (ExAC no frequency). This variant has not been reported in the literature in individuals with PTCH1-related disease. Loss-of-function variants in PTCH1 are known to be pathogenic (PMID: 16301862, 16419085). For these reasons, this variant has been classified as Pathogenic.

St. Jude Molecular Pathology, St. Jude Children's Research Hospital
Classification: Pathogenic for Medulloblastoma. Last evaluated: 2016-04-27. Review status: criteria provided, single submitter. Criteria: ACMG Guidelines, 2015. Collection method: clinical testing. Allele origin: germline. Affected: yes.
Comment: This is a frameshift alteration in which an A is deleted at coding position 2244 and is predicted to change an Alanine to a Proline at codon 749, shift the reading frame and create a premature stop codon 3 amino acids downstream.

Literature cited by the submitters: PubMed 16301862 (cited by Labcorp Genetics (formerly Invitae), Labcorp); PubMed 16419085 (cited by Labcorp Genetics (formerly Invitae), Labcorp).